The following is an entry in ClinVar:

NM_001130144.3(LTBP3):c.3626G>A (p.Arg1209Lys)

Gene: LTBP3 (latent transforming growth factor beta binding protein 3; minus strand). Cytogenetic location: 11q13.1.
Variant type: single nucleotide variant.
Coding change: c.3626G>A on transcript NM_001130144.3 (MANE Select); coding-DNA position 3626, G replaced by A.
Protein change: p.Arg1209Lys; replaces arginine 1209 with lysine.
Molecular consequence: missense variant.
Genome position (GRCh38, 1-based): chr11:65,539,550, C>T on the plus strand (G>A on the coding strand, the complement: LTBP3 is on the minus strand). VCF-style: chr11-65539550-C-T. GRCh37 (hg19) VCF-style: chr11-65307021-C-T.
Other names: c.3134G>A, p.Arg1045Lys (NM_001164266.1); c.3485G>A, p.Arg1162Lys (NM_021070.4); short protein forms R1162K, R1045K, R1209K.
Identifiers: ClinVar variation 3701857 (VCV003701857.2).
Genomic context (GRCh38, chr11:65,539,550, plus strand): 5'-CACTGAGCCCCGGCCAAAGGCTACCAACCCCGCCACCGCCCGACCCGGCAGCACTCACCT[C>T]TTGGGGGCTTCCCCAACAGCAGGGGGCTTGTGTCCCAGAAGGAATTGCTCTCGCTCTGCG-3'
Protein context (NP_001123616.1, residues 1199-1219): TSPLLLGKPP[Arg1209Lys]DEDSSEEDSD

ClinVar aggregate classification (germline): Uncertain significance (1 of 4 stars; one submission).

Conditions:
Brachyolmia-amelogenesis imperfecta syndrome. Also called: Tooth agenesis, selective, 6; Dental anomalies and short stature; PLATYSPONDYLY WITH AMELOGENESIS IMPERFECTA. Identifiers: Orphanet 2899, MedGen C1832594, MONDO:0011018, OMIM 601216. Disease mechanism: loss of function.

Submission:

Labcorp Genetics (formerly Invitae), Labcorp
Classification: Uncertain significance for Brachyolmia-amelogenesis imperfecta syndrome. Last evaluated: 2024-08-28. Review status: criteria provided, single submitter. Criteria: Invitae Variant Classification Sherloc (09022015). Collection method: clinical testing. Allele origin: germline.
Comment: This sequence change replaces arginine, which is basic and polar, with lysine, which is basic and polar, at codon 1209 of the LTBP3 protein (p.Arg1209Lys). This variant is present in population databases (rs770419545, gnomAD 0.03%). This variant has not been reported in the literature in individuals affected with LTBP3-related conditions. An algorithm developed to predict the effect of missense changes on protein structure and function (PolyPhen-2) suggests that this variant is likely to be tolerated. In summary, the available evidence is currently insufficient to determine the role of this variant in disease. Therefore, it has been classified as a Variant of Uncertain Significance.